The following is an entry in ClinVar:

NM_001113491.2(SEPTIN9):c.1672G>A (p.Glu558Lys)

Gene: SEPTIN9 (septin 9; plus strand). Cytogenetic location: 17q25.3.
Variant type: single nucleotide variant.
Coding change: c.1672G>A on transcript NM_001113491.2 (MANE Select); coding-DNA position 1672, G replaced by A.
Protein change: p.Glu558Lys; replaces glutamic acid 558 with lysine.
Molecular consequence: missense variant.
Genome position (GRCh38, 1-based): chr17:77,498,569, G>A. VCF-style: chr17-77498569-G-A. GRCh37 (hg19) VCF-style: chr17-75494651-G-A.
Other names: c.1180G>A, p.Glu394Lys (NM_001113492.2, NM_001113494.1); c.1651G>A, p.Glu551Lys (NM_001113493.2); c.919G>A, p.Glu307Lys (NM_001113495.2, NM_001113496.2, NM_001293697.2 and 1 more transcripts); c.1615G>A, p.Glu539Lys (NM_001293695.2); c.1000G>A, p.Glu334Lys (NM_001293696.2); c.1618G>A, p.Glu540Lys (NM_006640.5); short protein forms E307K, E334K, E394K, E539K, E540K, E551K, E558K.
Identifiers: ClinVar variation 2572895 (VCV002572895.24), dbSNP rs1318419081, ClinGen allele CA401205236.

ClinVar aggregate classification (germline): Uncertain significance. Review status: criteria provided, multiple submitters, no conflicts (2 of 4 stars). 2 submissions from 2 submitters: Uncertain significance (2). Last evaluated 2023-11-01.

Submissions (2):

CeGaT Center for Human Genetics Tuebingen
Classification: Uncertain significance. Last evaluated: 2023-11-01. Review status: criteria provided, single submitter. Criteria: CeGaT Center For Human Genetics Tuebingen Variant Classification Criteria Version 2. Collection method: clinical testing. Allele origin: germline. Affected: yes. Observed: 1 variant allele.
Comment: SEPTIN9: PM2

GeneDx
Classification: Uncertain significance. Last evaluated: 2023-01-16. Review status: criteria provided, single submitter. Criteria: GeneDx Variant Classification Process June 2021. Collection method: clinical testing. Allele origin: germline. Affected: yes.
Comment: Not observed at significant frequency in large population cohorts (gnomAD); In silico analysis supports that this missense variant has a deleterious effect on protein structure/function; Has not been previously published as pathogenic or benign to our knowledge